The following is an entry in ClinVar:

ClinVar aggregate classification (germline): Conflicting classifications of pathogenicity. Review status: criteria provided, conflicting classifications (1 of 4 stars). 4 submissions from 4 submitters: Uncertain significance (1); Likely benign (3). Last evaluated 2025-10-01.

Conditions:
Inborn genetic diseases. Identifiers: MedGen C0950123, MeSH D030342.

Allele frequency attached by ClinVar (database versions not stated): 1000 Genomes Project 0.00020; ESP Exome Variant Server 0.00023; 1000 Genomes Project 30x 0.00031.
gnomAD v4.1: 248 of 1,608,036 alleles (0.015%); highest among the groups gnomAD compares: African/African-American, 0.021%; no homozygotes.

Submissions (4):

CeGaT Center for Human Genetics Tuebingen
Classification: Likely benign. Last evaluated: 2025-10-01. Review status: criteria provided, single submitter. Criteria: CeGaT Center For Human Genetics Tuebingen Variant Classification Criteria Version 2. Collection method: clinical testing. Allele origin: germline. Affected: yes. Observed: 1 variant allele.
Comment: IGF2: BP4

Women's Health and Genetics/Laboratory Corporation of America, LabCorp
Classification: Likely benign. Last evaluated: 2024-09-12. Review status: criteria provided, single submitter. Criteria: LabCorp Variant Classification Summary - May 2015. Collection method: clinical testing. Allele origin: germline.
Comment: Variant summary: IGF2 c.439G>A (p.Glu147Lys) results in a conservative amino acid change located in the Insulin-like growth factor II E-peptide, C-terminal domain (IPR013576) of the encoded protein sequence. Five of five in-silico tools predict a benign effect of the variant on protein function. The variant allele was found at a frequency of 0.00015 in 1608036 control chromosomes, suggesting the variant could be benign. To our knowledge, no occurrence of c.439G>A in individuals affected with Silver-Russell Syndrome 1 and no experimental evidence demonstrating its impact on protein function have been reported. ClinVar contains an entry for this variant (Variation ID: 2178882). Based on the evidence outlined above, the variant was classified as likely benign.

Ambry Genetics
Classification: Likely benign for Inborn genetic diseases. Last evaluated: 2024-01-08. Review status: criteria provided, single submitter. Criteria: Ambry Variant Classification Scheme 2023. Collection method: clinical testing. Allele origin: germline.

Labcorp Genetics (formerly Invitae), Labcorp
Classification: Uncertain significance. Last evaluated: 2023-04-17. Review status: criteria provided, single submitter. Criteria: Invitae Variant Classification Sherloc (09022015). Collection method: clinical testing. Allele origin: germline.
Comment: This sequence change replaces glutamic acid, which is acidic and polar, with lysine, which is basic and polar, at codon 147 of the IGF2 protein (p.Glu147Lys). This variant is present in population databases (rs150866176, gnomAD 0.04%), and has an allele count higher than expected for a pathogenic variant. In summary, the available evidence is currently insufficient to determine the role of this variant in disease. Therefore, it has been classified as a Variant of Uncertain Significance. Algorithms developed to predict the effect of missense changes on protein structure and function output the following: SIFT: "Not Available"; PolyPhen-2: "Benign"; Align-GVGD: "Not Available". The lysine amino acid residue is found in multiple mammalian species, which suggests that this missense change does not adversely affect protein function. ClinVar contains an entry for this variant (Variation ID: 2178882). This variant has not been reported in the literature in individuals affected with IGF2-related conditions.

NM_000612.6(IGF2):c.439G>A (p.Glu147Lys)

Genes: IGF2 (insulin like growth factor 2; minus strand), INS-IGF2 (INS-IGF2 readthrough; minus strand). Cytogenetic location: 11p15.5.
Variant type: single nucleotide variant.
Coding change: c.439G>A on transcript NM_000612.6 (MANE Select); coding-DNA position 439, G replaced by A.
Protein change: p.Glu147Lys; replaces glutamic acid 147 with lysine.
Molecular consequence: missense variant. On other transcripts: non-coding transcript variant (1).
Genome position (GRCh38, 1-based): chr11:2,133,091, C>T on the plus strand (G>A on the coding strand, the complement: IGF2 is on the minus strand). VCF-style: chr11-2133091-C-T. GRCh37 (hg19) VCF-style: chr11-2154321-C-T.
Other names: c.439G>A, p.Glu147Lys (NM_001007139.6, NM_001291861.3, NM_001291862.3); c.607G>A, p.Glu203Lys (NM_001127598.3); short protein forms E147K, E203K.
Identifiers: ClinVar variation 2178882 (VCV002178882.12), dbSNP rs150866176, ClinGen allele CA5817612.